The following is an entry in ClinVar:

ClinVar aggregate classification (germline): Uncertain significance (1 of 4 stars; one submission).

Conditions:
Inborn genetic diseases. Identifiers: MedGen C0950123, MeSH D030342.

gnomAD v4.1: 1 of 1,535,616 alleles (0.000065%); highest among the groups gnomAD compares: South Asian, 0.0012%; no homozygotes.

Submission:

Ambry Genetics
Classification: Uncertain significance for Inborn genetic diseases. Last evaluated: 2026-08-27. Review status: criteria provided, single submitter. Criteria: Ambry Variant Classification Scheme 2023. Collection method: clinical testing. Allele origin: germline.
Comment: The p.W40* variant (also known as c.119G>A), located in coding exon 1 of the WT1 gene, results from a G to A substitution at nucleotide position 119. This changes the amino acid from a tryptophan to a stop codon within coding exon 1. The predicted stop codon occurs in the 5&rsquo; end of theWT1 gene. Premature termination codons in the 5&rsquo; end of a gene have been reported to escape nonsense-mediated mRNAdecay and/or lead to re-initiation (Rivas et al. Science. 2015 May 8;348(6235):666-9; Lindeboom et al. Nat Genet. 2016 Oct;48(10):1112-8; Rhee et al. Sci Rep. 2017 May 10;7(1):1653). The exact functional effect of this alteration is unknown. Since supporting evidence is limited at this time, the clinical significance of this alteration remains unclear.

NM_024426.6(WT1):c.134G>A (p.Trp45Ter)

Genes: WT1 (WT1 transcription factor; minus strand), LOC107982234 (WT1/WT1-AS bi-directional promoter region; plus strand). Cytogenetic location: 11p13.
Variant type: single nucleotide variant.
Coding change: c.134G>A on transcript NM_024426.6 (MANE Select); coding-DNA position 134, G replaced by A.
Protein change: p.Trp45Ter; replaces tryptophan 45 with a stop codon.
Molecular consequence: nonsense. On other transcripts: 5 prime UTR variant (4), non-coding transcript variant (2).
Genome position (GRCh38, 1-based): chr11:32,435,227, C>T on the plus strand (G>A on the coding strand, the complement: WT1 is on the minus strand). VCF-style: chr11-32435227-C-T. GRCh37 (hg19) VCF-style: chr11-32456773-C-T.
Other names: c.134G>A, p.Trp45Ter (NM_000378.6, NM_001407044.1, NM_001407045.1 and 6 more transcripts); c.-86G>A (NM_001429031.1, NM_001429032.1, NM_001429033.1 and 1 more transcripts); short protein forms W45*, W40*.
Identifiers: ClinVar variation 5032063 (VCV005032063.1).